The following is an entry in ClinVar:

NM_002693.3(POLG):c.143A>G (p.Gln48Arg)

Genes: POLG (DNA polymerase gamma, catalytic subunit; minus strand), POLGARF (POLG alternative reading frame; minus strand). Cytogenetic location: 15q26.1.
Variant type: single nucleotide variant.
Coding change: c.143A>G on transcript NM_002693.3 (MANE Select); coding-DNA position 143, A replaced by G.
Protein change: p.Gln48Arg; replaces glutamine 48 with arginine.
Molecular consequence: missense variant.
Genome position (GRCh38, 1-based): chr15:89,333,612, T>C on the plus strand (A>G on the coding strand, the complement: POLG is on the minus strand). VCF-style: chr15-89333612-T-C. GRCh37 (hg19) VCF-style: chr15-89876843-T-C.
Other names: c.143A>G, p.Gln48Arg (NM_001126131.2); short protein forms Q48R.
Identifiers: ClinVar variation 1435496 (VCV001435496.3), dbSNP rs2141816053, ClinGen allele CA393774324.

ClinVar aggregate classification (germline): Uncertain significance (1 of 4 stars; one submission).

Conditions:
Progressive sclerosing poliodystrophy (MTDPS4A). Also called: ALPERS PROGRESSIVE INFANTILE POLIODYSTROPHY; NEURONAL DEGENERATION OF CHILDHOOD WITH LIVER DISEASE, PROGRESSIVE; Alpers Syndrome; ALPERS DIFFUSE DEGENERATION OF CEREBRAL GRAY MATTER WITH HEPATIC CIRRHOSIS; Alpers-Huttenlocher Syndrome; Mitochondrial DNA depletion syndrome 4A (Alpers type). Identifiers: Orphanet 726, MedGen C0205710, MONDO:0008758, OMIM 203700.

Allele frequency attached by ClinVar (database versions not stated): gnomAD exomes below 0.00001.
gnomAD v4.1: 2 of 1,600,120 alleles (0.00012%); highest among the groups gnomAD compares: Non-Finnish European, 0.00017%; no homozygotes.

Submission:

Labcorp Genetics (formerly Invitae), Labcorp
Classification: Uncertain significance for Progressive sclerosing poliodystrophy. Last evaluated: 2021-11-10. Review status: criteria provided, single submitter. Criteria: Invitae Variant Classification Sherloc (09022015). Collection method: clinical testing. Allele origin: germline.
Comment: This sequence change replaces glutamine, which is neutral and polar, with arginine, which is basic and polar, at codon 48 of the POLG protein (p.Gln48Arg). This variant is not present in population databases (gnomAD no frequency). This variant has not been reported in the literature in individuals affected with POLG-related conditions. Algorithms developed to predict the effect of missense changes on protein structure and function are either unavailable or do not agree on the potential impact of this missense change (SIFT: "Deleterious"; PolyPhen-2: "Benign"; Align-GVGD: "Class C0"). In summary, the available evidence is currently insufficient to determine the role of this variant in disease. Therefore, it has been classified as a Variant of Uncertain Significance.